The following is an entry in ClinVar:

ClinVar aggregate classification (germline): Likely pathogenic. Review status: criteria provided, multiple submitters, no conflicts (2 of 4 stars). 2 submissions from 2 submitters: Likely pathogenic (2). Last evaluated 2024-04-08.

Conditions:
Familial hypokalemia-hypomagnesemia (GTLMNS). Also called: HYPOMAGNESEMIA-HYPOKALEMIA, PRIMARY RENOTUBULAR, WITH HYPOCALCIURIA; POTASSIUM AND MAGNESIUM DEPLETION; gitelman syndrome. Identifiers: Orphanet 358, MedGen C0268450, MONDO:0009904, OMIM 263800.

Allele frequency attached by ClinVar (database versions not stated): TOPMed 0.00001; gnomAD exomes 0.00001 and below 0.00001; gnomAD 0.00001; ExAC 0.00001.
gnomAD v4.1: 16 of 1,613,548 alleles (0.00099%); highest among the groups gnomAD compares: Non-Finnish European, 0.0014%; no homozygotes.

Submissions (2):

Fulgent Genetics
Classification: Likely pathogenic for Familial hypokalemia-hypomagnesemia. Last evaluated: 2024-04-08. Review status: criteria provided, single submitter. Criteria: ACMG Guidelines, 2015. Collection method: clinical testing. Allele origin: germline.

Labcorp Genetics (formerly Invitae), Labcorp
Classification: Likely pathogenic. Last evaluated: 2024-01-19. Review status: criteria provided, single submitter. Criteria: Invitae Variant Classification Sherloc (09022015). Collection method: clinical testing. Allele origin: germline.
Comment: This sequence change affects an acceptor splice site in intron 20 of the SLC12A3 gene. It is expected to disrupt RNA splicing. Variants that disrupt the donor or acceptor splice site typically lead to a loss of protein function (PMID: 16199547), and loss-of-function variants in SLC12A3 are known to be pathogenic (PMID: 20848653, 22009145, 25841442). This variant is present in population databases (rs776181500, gnomAD 0.0009%). This variant has not been reported in the literature in individuals affected with SLC12A3-related conditions. ClinVar contains an entry for this variant (Variation ID: 1468040). Algorithms developed to predict the effect of sequence changes on RNA splicing suggest that this variant may disrupt the consensus splice site. In summary, the currently available evidence indicates that the variant is pathogenic, but additional data are needed to prove that conclusively. Therefore, this variant has been classified as Likely Pathogenic.

Literature cited by the submitters: PubMed 16199547 (cited by Labcorp Genetics (formerly Invitae), Labcorp); PubMed 20848653 (cited by Labcorp Genetics (formerly Invitae), Labcorp); PubMed 22009145 (cited by Labcorp Genetics (formerly Invitae), Labcorp); PubMed 25841442 (cited by Labcorp Genetics (formerly Invitae), Labcorp).

NM_001126108.2(SLC12A3):c.2420-2A>G

Gene: SLC12A3 (solute carrier family 12 member 3; plus strand). Cytogenetic location: 16q13.
Variant type: single nucleotide variant.
Coding change: c.2420-2A>G on transcript NM_001126108.2 (MANE Select); the canonical splice acceptor site of the intron before coding-DNA position 2420, A replaced by G.
Molecular consequence: splice acceptor variant.
Genome position (GRCh38, 1-based): chr16:56,892,951, A>G. VCF-style: chr16-56892951-A-G. GRCh37 (hg19) VCF-style: chr16-56926863-A-G.
Other names: c.2447-2A>G (NM_000339.3); c.2444-2A>G (NM_001126107.2); c.2417-2A>G (NM_001410896.1).
Identifiers: ClinVar variation 1468040 (VCV001468040.9), dbSNP rs776181500, ClinGen allele CA8069914.